The following is an entry in ClinVar:

NM_000059.4(BRCA2):c.-23T>A

Gene: BRCA2 (BRCA2 DNA repair associated; plus strand). Cytogenetic location: 13q13.1.
Variant type: single nucleotide variant.
Coding change: c.-23T>A on transcript NM_000059.4 (MANE Select); 23 bases upstream of the start codon, T replaced by A.
Molecular consequence: 5 prime UTR variant. On other transcripts: non-coding transcript variant (1), intron variant (1).
Genome position (GRCh38, 1-based): chr13:32,316,438, T>A. VCF-style: chr13-32316438-T-A. GRCh37 (hg19) VCF-style: chr13-32890575-T-A.
Other names: c.-23T>A (NM_001406719.1, NM_001406720.1, NM_001406721.1); c.-303+771T>A (NM_001406722.1).
Identifiers: ClinVar variation 2793000 (VCV002793000.3), dbSNP rs757349122, ClinGen allele CA2739277495.

ClinVar aggregate classification (germline): Uncertain significance (1 of 4 stars; one submission).

Conditions:
Hereditary breast ovarian cancer syndrome. Also called: Hereditary breast and ovarian cancer syndrome; Hereditary breast and ovarian cancer syndrome (HBOC); Hereditary breast and/or ovarian cancer syndrome; Hereditary breast and ovarian cancer; Breast and ovarian cancer; BRCA1- and BRCA2-Associated Hereditary Breast and Ovarian Cancer. Identifiers: Orphanet 145, MedGen C0677776, MeSH D061325, MONDO:0003582. Disease mechanism: loss of function.

Submission:

Labcorp Genetics (formerly Invitae), Labcorp
Classification: Uncertain significance for Hereditary breast ovarian cancer syndrome. Last evaluated: 2023-03-14. Review status: criteria provided, single submitter. Criteria: Invitae Variant Classification Sherloc (09022015). Collection method: clinical testing. Allele origin: germline.
Comment: This variant has not been reported in the literature in individuals affected with BRCA2-related conditions. In summary, the available evidence is currently insufficient to determine the role of this variant in disease. Therefore, it has been classified as a Variant of Uncertain Significance. This variant is not present in population databases (gnomAD no frequency). This variant occurs in a non-coding region of the BRCA2 gene. It does not change the encoded amino acid sequence of the BRCA2 protein.